The following is an entry in ClinVar:

NM_033400.3(ZFHX2):c.6664C>T (p.Arg2222Cys)

Genes: THTPA (thiamine triphosphatase; plus strand), ZFHX2 (zinc finger homeobox 2; minus strand). Cytogenetic location: 14q11.2.
Variant type: single nucleotide variant.
Coding change: c.6664C>T on transcript NM_033400.3 (MANE Select); coding-DNA position 6664, C replaced by T.
Protein change: p.Arg2222Cys; replaces arginine 2222 with cysteine.
Molecular consequence: missense variant.
Genome position (GRCh38, 1-based): chr14:23,523,278, G>A on the plus strand (C>T on the coding strand, the complement: ZFHX2 is on the minus strand). VCF-style: chr14-23523278-G-A. GRCh37 (hg19) VCF-style: chr14-23992487-G-A.
Other names: short protein forms R2222C.
Identifiers: ClinVar variation 3043781 (VCV003043781.3), dbSNP rs372654874, ClinGen allele CA7116815.

ClinVar aggregate classification (germline): Uncertain significance. Review status: criteria provided, single submitter (1 of 4 stars). 2 submissions from 2 submitters: Uncertain significance (1). 1 of the submissions does not count toward it. Last evaluated 2025-09-10.

Conditions:
ZFHX2-related disorder. Also called: ZFHX2-related condition.

Allele frequency attached by ClinVar (database versions not stated): ExAC 0.00032; 1000 Genomes Project 30x 0.00094; 1000 Genomes Project 0.00120; gnomAD 0.00170; TOPMed 0.00195.
gnomAD v4.1: 480 of 1,437,576 alleles (0.033%); highest among the groups gnomAD compares: African/African-American, 0.6%; 3 homozygotes.

Submissions (2):

Ambry Genetics
Classification: Uncertain significance. Last evaluated: 2025-09-10. Review status: criteria provided, single submitter. Criteria: Ambry Variant Classification Scheme 2023. Collection method: clinical testing. Allele origin: germline.

PreventionGenetics, part of Exact Sciences
Classification: Benign for ZFHX2-related condition. Last evaluated: 2019-09-17. Review status: no assertion criteria provided. Collection method: clinical testing. Allele origin: germline. Not counted in ClinVar's aggregate classification.
Comment: This variant is classified as benign based on ACMG/AMP sequence variant interpretation guidelines (Richards et al. 2015 PMID: 25741868, with internal and published modifications).